The following is an entry in ClinVar:

NM_001278512.2(AP3B2):c.2668C>G (p.Leu890Val)

Genes: AP3B2 (adaptor related protein complex 3 subunit beta 2; minus strand), CPEB1-AS1 (CPEB1 antisense RNA 1; plus strand). Cytogenetic location: 15q25.2.
Variant type: single nucleotide variant.
Coding change: c.2668C>G on transcript NM_001278512.2 (MANE Select); coding-DNA position 2668, C replaced by G.
Protein change: p.Leu890Val; replaces leucine 890 with valine.
Molecular consequence: missense variant.
Genome position (GRCh38, 1-based): chr15:82,662,859, G>C on the plus strand (C>G on the coding strand, the complement: AP3B2 is on the minus strand). VCF-style: chr15-82662859-G-C. GRCh37 (hg19) VCF-style: chr15-83331611-G-C.
Other names: c.2515C>G, p.Leu839Val (NM_001278511.2); c.2611C>G, p.Leu871Val (NM_004644.5); c.2611C>G (NM_004644.3); short protein forms L890V, L839V, L871V.
Identifiers: ClinVar variation 1978809 (VCV001978809.2), dbSNP rs1567255028, ClinGen allele CA393308907.

ClinVar aggregate classification (germline): Uncertain significance. Review status: criteria provided, multiple submitters, no conflicts (2 of 4 stars). 2 submissions from 2 submitters: Uncertain significance (2). Last evaluated 2025-04-16.

Conditions:
Inborn genetic diseases. Identifiers: MedGen C0950123, MeSH D030342.

Allele frequency attached by ClinVar (database versions not stated): TOPMed 0.00002; gnomAD 0.00001.
gnomAD v4.1: 7 of 1,613,526 alleles (0.00043%); highest among the groups gnomAD compares: African/African-American, 0.0027%; no homozygotes.

Submissions (2):

Ambry Genetics
Classification: Uncertain significance for Inborn genetic diseases. Last evaluated: 2025-04-16. Review status: criteria provided, single submitter. Criteria: Ambry Variant Classification Scheme 2023. Collection method: clinical testing. Allele origin: germline.

Labcorp Genetics (formerly Invitae), Labcorp
Classification: Uncertain significance. Last evaluated: 2022-08-22. Review status: criteria provided, single submitter. Criteria: Invitae Variant Classification Sherloc (09022015). Collection method: clinical testing. Allele origin: germline.
Comment: This sequence change replaces leucine, which is neutral and non-polar, with valine, which is neutral and non-polar, at codon 871 of the AP3B2 protein (p.Leu871Val). This variant is not present in population databases (gnomAD no frequency). This variant has not been reported in the literature in individuals affected with AP3B2-related conditions. Algorithms developed to predict the effect of missense changes on protein structure and function are either unavailable or do not agree on the potential impact of this missense change (SIFT: "Deleterious"; PolyPhen-2: "Benign"; Align-GVGD: "Class C0"). In summary, the available evidence is currently insufficient to determine the role of this variant in disease. Therefore, it has been classified as a Variant of Uncertain Significance.